The following is an entry in ClinVar:

NM_178014.4(TUBB):c.578T>C (p.Val193Ala)

Gene: TUBB (tubulin beta class I; plus strand). Cytogenetic location: 6p21.33.
Variant type: single nucleotide variant.
Coding change: c.578T>C on transcript NM_178014.4 (MANE Select); coding-DNA position 578, T replaced by C.
Protein change: p.Val193Ala; replaces valine 193 with alanine.
Molecular consequence: missense variant. On other transcripts: intron variant (1).
Genome position (GRCh38, 1-based): chr6:30,723,640, T>C. VCF-style: chr6-30723640-T-C. GRCh37 (hg19) VCF-style: chr6-30691417-T-C.
Other names: c.638T>C, p.Val213Ala (NM_001293212.2); c.446T>C, p.Val149Ala (NM_001293214.2); c.362T>C, p.Val121Ala (NM_001293215.2, NM_001293216.2); c.369+209T>C (NM_001293213.2); short protein forms V121A, V149A, V193A, V213A.
Identifiers: ClinVar variation 4845267 (VCV004845267.1).

ClinVar aggregate classification (germline): Uncertain significance (0 of 4 stars; one submission).

Submission:

Diagnostics Centre, Carl Von Ossietzky University Oldenburg
Classification: Uncertain significance. Last evaluated: 2025-08-27. Review status: no assertion criteria provided. Collection method: clinical testing. Allele origin: germline. Affected: yes. Observed: 1 variant allele.
Comment: The variant TUBB:c.578T>C p.(Val193Ala) located in the exon 4 of the TUBB gene results from a thymine-to-cytosine substitution at nucleotide position c.578. The valine residue at protein position 193 is replaced by an alanine. Missense variants in this gene or the affected region are a known disease mechanism and are rare in the general population. The affected protein region has significant levels of missense constrain. In silico tools predict a deleterious effect in the protein structure and function (REVEL = 0.72). The affected position is located in the essential tubulin functional domain of the protein. The variant has not yet been described in ClinVar or in any publications known to us. The variant is classified as very rare since it is absent in gnomAD v4.1.0. In summary, the variant is classified as a variant of uncertain significance.